The following is an entry in ClinVar:

ClinVar aggregate classification (germline): Uncertain significance (1 of 4 stars; one submission).

Submission:

Laboratorio de Genetica e Diagnostico Molecular, Hospital Israelita Albert Einstein
Classification: Uncertain significance. Last evaluated: 2021-08-19. Review status: criteria provided, single submitter. Criteria: ACMG Guidelines, 2015. Collection method: clinical testing. Allele origin: germline. Affected: yes.
Comment: ACMG classification criteria: PM2, BP4

NM_016628.5(WAC):c.658A>C (p.Ile220Leu)

Gene: WAC (WW domain containing adaptor with coiled-coil; plus strand). Cytogenetic location: 10p12.1.
Variant type: single nucleotide variant.
Coding change: c.658A>C on transcript NM_016628.5 (MANE Select); coding-DNA position 658, A replaced by C.
Protein change: p.Ile220Leu; replaces isoleucine 220 with leucine.
Molecular consequence: missense variant. On other transcripts: intron variant (1).
Genome position (GRCh38, 1-based): chr10:28,595,780, A>C. VCF-style: chr10-28595780-A-C. GRCh37 (hg19) VCF-style: chr10-28884709-A-C.
Other names: c.523A>C, p.Ile175Leu (NM_100264.3); c.610+4948A>C (NM_100486.4); short protein forms I175L, I220L.
Identifiers: ClinVar variation 1691038 (VCV001691038.2), dbSNP rs2132708752, ClinGen allele CA376401972.